The following is an entry in ClinVar:

ClinVar aggregate classification (germline): Uncertain significance (1 of 4 stars; one submission).

Allele frequency attached by ClinVar (database versions not stated): TOPMed 0.00001.

Submission:

Ambry Genetics
Classification: Uncertain significance. Last evaluated: 2023-12-26. Review status: criteria provided, single submitter. Criteria: Ambry Variant Classification Scheme 2023. Collection method: clinical testing. Allele origin: germline.
Comment: The p.L1236V variant (also known as c.3706C>G), located in coding exon 4 of the ALPK2 gene, results from a C to G substitution at nucleotide position 3706. The leucine at codon 1236 is replaced by valine, an amino acid with highly similar properties. This amino acid position is conserved. In addition, this alteration is predicted to be tolerated by in silico analysis. Since supporting evidence is limited at this time, the clinical significance of this alteration remains unclear.

NM_052947.4(ALPK2):c.3706C>G (p.Leu1236Val)

Genes: ALPK2 (alpha kinase 2; minus strand), LOC126862764 (BRD4-independent group 4 enhancer GRCh37_chr18:56202574-56203773; plus strand). Cytogenetic location: 18q21.31.
Variant type: single nucleotide variant.
Coding change: c.3706C>G on transcript NM_052947.4 (MANE Select); coding-DNA position 3706, C replaced by G.
Protein change: p.Leu1236Val; replaces leucine 1236 with valine.
Molecular consequence: missense variant.
Genome position (GRCh38, 1-based): chr18:58,536,481, G>C on the plus strand (C>G on the coding strand, the complement: ALPK2 is on the minus strand). VCF-style: chr18-58536481-G-C. GRCh37 (hg19) VCF-style: chr18-56203713-G-C.
Other names: short protein forms L1236V.
Identifiers: ClinVar variation 3228703 (VCV003228703.1), dbSNP rs1205133496, ClinGen allele CA402565967.